The following is an entry in ClinVar:

ClinVar aggregate classification (germline): Uncertain significance. Review status: criteria provided, multiple submitters, no conflicts (2 of 4 stars). 2 submissions from 2 submitters: Uncertain significance (2). Last evaluated 2023-01-30.

Conditions:
Cardiovascular phenotype. Identifiers: MedGen CN230736.

Allele frequency attached by ClinVar (database versions not stated): gnomAD exomes below 0.00001 and 0.00001; gnomAD 0.00001; TOPMed 0.00001.
gnomAD v4.1: 6 of 1,545,798 alleles (0.00039%); highest among the groups gnomAD compares: Non-Finnish European, 0.00035%; no homozygotes.

Submissions (2):

Ambry Genetics
Classification: Uncertain significance for Cardiovascular phenotype. Last evaluated: 2023-01-30. Review status: criteria provided, single submitter. Criteria: Ambry Variant Classification Scheme 2023. Collection method: clinical testing. Allele origin: germline.
Comment: The p.L482P variant (also known as c.1445T>C), located in coding exon 1 of the ZNF469 gene, results from a T to C substitution at nucleotide position 1445. The leucine at codon 482 is replaced by proline, an amino acid with similar properties. This amino acid position is conserved. In addition, this alteration is predicted to be tolerated by in silico analysis. Since supporting evidence is limited at this time, the clinical significance of this alteration remains unclear.

GeneDx
Classification: Uncertain significance. Last evaluated: 2021-01-08. Review status: criteria provided, single submitter. Criteria: GeneDx Variant Classification Process June 2021. Collection method: clinical testing. Allele origin: germline. Affected: yes.
Comment: Not observed at a significant frequency in large population cohorts (Lek et al., 2016); In silico analysis supports that this missense variant has a deleterious effect on protein structure/function; Has not been previously published as pathogenic or benign to our knowledge

NM_001367624.2(ZNF469):c.1445T>C (p.Leu482Pro)

Gene: ZNF469 (zinc finger protein 469; plus strand). Cytogenetic location: 16q24.2.
Variant type: single nucleotide variant.
Coding change: c.1445T>C on transcript NM_001367624.2 (MANE Select); coding-DNA position 1445, T replaced by C.
Protein change: p.Leu482Pro; replaces leucine 482 with proline.
Molecular consequence: missense variant.
Genome position (GRCh38, 1-based): chr16:88,428,915, T>C. VCF-style: chr16-88428915-T-C. GRCh37 (hg19) VCF-style: chr16-88495323-T-C.
Other names: NM_001127464.1:c.1445T>C; short protein forms L482P.
Identifiers: ClinVar variation 1201369 (VCV001201369.5), dbSNP rs1179042965, ClinGen allele CA397066861.
Genomic context (GRCh38, chr16:88,428,915, plus strand): 5'-TGTTCTTTAACGGCCAGCCCAGCCCAGGCCAGCGGCTCTGCCTCCCCCAGAGTGCCCCCC[T>C]GCCTTGGCCCCAAGTGCTCCCGACCGCCCGGCCAAGTCCCCACGGAATGGAGATGCTGAG-3'
Protein context (NP_001354553.1, residues 472-492): QRLCLPQSAP[Leu482Pro]PWPQVLPTAR